The following is an entry in ClinVar:

NM_201384.3(PLEC):c.6653A>G (p.Glu2218Gly)

Gene: PLEC (plectin; minus strand). Cytogenetic location: 8q24.3.
Variant type: single nucleotide variant.
Coding change: c.6653A>G on transcript NM_201384.3 (MANE Select); coding-DNA position 6653, A replaced by G.
Protein change: p.Glu2218Gly; replaces glutamic acid 2218 with glycine.
Molecular consequence: missense variant. On other transcripts: intron variant (1).
Genome position (GRCh38, 1-based): chr8:143,923,276, T>C on the plus strand (A>G on the coding strand, the complement: PLEC is on the minus strand). VCF-style: chr8-143923276-T-C. GRCh37 (hg19) VCF-style: chr8-144997444-T-C.
Other names: c.6734A>G, p.Glu2245Gly (NM_000445.5); c.6611A>G, p.Glu2204Gly (NM_201378.4); c.6587A>G, p.Glu2196Gly (NM_201379.3); c.7064A>G, p.Glu2355Gly (NM_201380.4); c.6557A>G, p.Glu2186Gly (NM_201381.3); c.6653A>G, p.Glu2218Gly (NM_201382.4); c.6665A>G, p.Glu2222Gly (NM_201383.3); c.4126-881A>G (NM_001410941.1); short protein forms E2186G, E2204G, E2218G, E2222G, E2355G, E2196G, E2245G.
Identifiers: ClinVar variation 2927913 (VCV002927913.4), dbSNP rs1554691765, ClinGen allele CA372533057.
Genomic context (GRCh38, chr8:143,923,276, plus strand): 5'-TCCATCTGCACGCGCACCGAGAAGAGCTCCTCCTCCACCTGGCTGCGCTGGCGTGCGGCC[T>C]CCGTGGCCTCCGCCTTCAGCCGCTGCAGCTCCTCGTCCAGCAGGTTCTTCTGGTGGTCGG-3'
Protein context (NP_958786.1, residues 2208-2228): ELQRLKAEAT[Glu2218Gly]AARQRSQVEE

ClinVar aggregate classification (germline): Uncertain significance. Review status: criteria provided, multiple submitters, no conflicts (2 of 4 stars). 2 submissions from 2 submitters: Uncertain significance (2). Last evaluated 2025-10-27.

Conditions:
Epidermolysis bullosa simplex with nail dystrophy (EBS5D). Identifiers: MedGen C4225309, MONDO:0014661, OMIM 616487.
Epidermolysis bullosa simplex 5B, with muscular dystrophy (EBS5B). Also called: EPIDERMOLYSIS BULLOSA SIMPLEX AND LIMB-GIRDLE MUSCULAR DYSTROPHY; Epidermolysis bullosa simplex with muscular dystrophy. Identifiers: Orphanet 257, MedGen C2931072, MONDO:0009181, OMIM 226670.
Epidermolysis bullosa simplex 5C, with pyloric atresia (EBS5C). Also called: PLEC-Related Epidermolysis Bullosa with Pyloric Atresia; Epidermolysis bullosa simplex with pyloric atresia; PLEC1-Related Epidermolysis Bullosa with Pyloric Atresia. Identifiers: Orphanet 158684, MedGen C2677349, MONDO:0012807, OMIM 612138.
Autosomal recessive limb-girdle muscular dystrophy type 2Q (LGMDR17). Also called: MUSCULAR DYSTROPHY, LIMB-GIRDLE, AUTOSOMAL RECESSIVE 17. Identifiers: Orphanet 254361, MedGen C3150989, MONDO:0013390, OMIM 613723.
Epidermolysis bullosa simplex, Ogna type (EBS5A). Also called: Pidermolysis bullosa simplex 5A, Ogna type; EPIDERMOLYSIS BULLOSA SIMPLEX 5A, OGNA TYPE. Identifiers: Orphanet 79401, MedGen C0432317, MONDO:0007555, OMIM 131950.

Allele frequency attached by ClinVar (database versions not stated): gnomAD exomes below 0.00001; TOPMed 0.00001.
gnomAD v4.1: 3 of 1,607,236 alleles (0.00019%); highest among the groups gnomAD compares: Non-Finnish European, 0.00025%; no homozygotes.

Submissions (2):

Labcorp Genetics (formerly Invitae), Labcorp
Classification: Uncertain significance for Autosomal recessive limb-girdle muscular dystrophy type 2Q; Epidermolysis bullosa simplex, Ogna type; Epidermolysis bullosa simplex with nail dystrophy; Epidermolysis bullosa simplex 5C, with pyloric atresia; Epidermolysis bullosa simplex 5B, with muscular dystrophy. Last evaluated: 2025-10-27. Review status: criteria provided, single submitter. Criteria: Invitae Variant Classification Sherloc (09022015). Collection method: clinical testing. Allele origin: germline.
Comment: This sequence change replaces glutamic acid, which is acidic and polar, with glycine, which is neutral and non-polar, at codon 2245 of the PLEC protein (p.Glu2245Gly). This variant is not present in population databases (gnomAD no frequency). This variant has not been reported in the literature in individuals affected with PLEC-related conditions. ClinVar contains an entry for this variant (Variation ID: 2927913). An algorithm developed to predict the effect of missense changes on protein structure and function (PolyPhen-2) suggests that this variant is likely to be disruptive. In summary, the available evidence is currently insufficient to determine the role of this variant in disease. Therefore, it has been classified as a Variant of Uncertain Significance.

Revvity Omics, Revvity
Classification: Uncertain significance. Last evaluated: 2024-02-19. Review status: criteria provided, single submitter. Criteria: ACMG Guidelines, 2015. Collection method: clinical testing. Allele origin: germline.